The following is an entry in ClinVar:

NM_001844.5(COL2A1):c.506CCCCTGGTC[3] (p.Gly174_Leu175insProProGly)

Gene: COL2A1 (collagen type II alpha 1 chain; minus strand). Cytogenetic location: 12q13.11.
Variant type: Microsatellite.
Coding change: c.506CCCCTGGTC[3] on transcript NM_001844.5 (MANE Select); three copies in a row of the 9-base unit CCCCTGGTC starting at c.506; the reference has two copies in a row; one copy, 9 bases duplicated.
Protein change: p.Gly174_Leu175insProProGly.
Molecular consequence: inframe insertion.
Genome position (GRCh38, 1-based): chr12:47,997,614-47,997,622, GACCAGGGG duplicated on the plus strand (CCCCTGGTC on the coding strand, the reverse complement: COL2A1 is on the minus strand); duplicating any 9 consecutive bases within chr12:47,997,614-47,997,632 gives the same sequence; the position shown is the placement nearest the transcript's 3' end. VCF-style (leftmost placement, unchanged base first): chr12-47997613-A-AGACCAGGGG. GRCh37 (hg19) VCF-style: chr12-48391396-A-AGACCAGGGG.
Other names: c.299CCCCTGGTC[3], p.Gly105_Leu106insProProGly (NM_033150.3).
Identifiers: ClinVar variation 2799424 (VCV002799424.3), dbSNP rs2540179947, ClinGen allele CA2575138606.

ClinVar aggregate classification (germline): Uncertain significance (1 of 4 stars; one submission).

Submission:

Labcorp Genetics (formerly Invitae), Labcorp
Classification: Uncertain significance. Last evaluated: 2024-08-12. Review status: criteria provided, single submitter. Criteria: Invitae Variant Classification Sherloc (09022015). Collection method: clinical testing. Allele origin: germline.
Comment: This variant, c.515_523dup, results in the insertion of 3 amino acid(s) of the COL2A1 protein (p.Pro172_Gly174dup), but otherwise preserves the integrity of the reading frame. This variant is not present in population databases (gnomAD no frequency). This variant has not been reported in the literature in individuals affected with COL2A1-related conditions. Experimental studies and prediction algorithms are not available or were not evaluated, and the functional significance of this variant is currently unknown. In summary, the available evidence is currently insufficient to determine the role of this variant in disease. Therefore, it has been classified as a Variant of Uncertain Significance.